The following is an entry in ClinVar:

ClinVar aggregate classification (germline): Pathogenic (1 of 4 stars; one submission).

Conditions:
Emery-Dreifuss muscular dystrophy (EDMD). Also called: Scapuloperoneal syndrome, X-linked (formerly); Humeroperoneal neuromuscular disease, (formerly). Identifiers: Orphanet 261, MedGen C0410189, MONDO:0016830.

Submission:

Clinical Omics and Informatics (COIN) Unit, Neuroscience Institute, University Of Cape Town
Classification: Pathogenic for Emery-Dreifuss muscular dystrophy. Last evaluated: 2025-05-08. Review status: criteria provided, single submitter. Criteria: ACMG/ClinGen CNV Guidelines, 2019. Collection method: research. Allele origin: germline. Inheritance: X-linked inheritance. Affected: yes. Observed: 1 hemizygote.
Comment: This deletion spans exons 5 and 6 of the EMD gene. 2E. Both breakpoints are within the same gene (gene-level sequence variant): ClinGen gene-disease validity for EMD gene and Emery-Dreifuss muscular dystrophy 1, X-linked not evaluated, loss of EMD function is an established pathogenic mechanism, ClinGen EMD dosage curation awaiting review (EMD gene has a pLI score of 0.93 and a DECIPHER HI score of 58.76 indicating a high probability of haploinsufficiency), PVS1 met (0.9 points). 4E. Reported proband has a highly specific phenotype consistent with the gene/genomic region, but the inheritance of the variant is unknown: literature proband with muscle weakness, AV block and negative emerin staining on muscle biopsy showed a deletion of 2640 bp from the 5’ region, including the 5’-UTR and exon 1 and part of exon 2 of EMD gene (doi:10.4021/jnr107w) (0.1 points). Sequencing funded by the International Centre for Genomic Medicine in Neuromuscular Diseases (ICGNMD).

Literature cited by the submitters: DOI 10.4021/jnr107w.

Single allele

Gene: EMD (emerin; plus strand). Cytogenetic location: Xq28.
Variant type: Deletion.
Identifiers: ClinVar variation 3897724 (VCV003897724.1).